The following is an entry in ClinVar:

ClinVar aggregate classification (germline): Pathogenic (1 of 4 stars; one submission).

Conditions:
Carnitine palmitoyl transferase 1A deficiency. Also called: CPT deficiency, hepatic, type IA; CPT I DEFICIENCY; CPT DEFICIENCY, HEPATIC, TYPE I; Carnitine palmitoyltransferase type I deficiency; Carnitine palmitoyltransferase 1A deficiency. Identifiers: Orphanet 156, MedGen C1829703, MONDO:0009705, OMIM 255120.

Submission:

Labcorp Genetics (formerly Invitae), Labcorp
Classification: Pathogenic for Carnitine palmitoyl transferase 1A deficiency. Last evaluated: 2019-12-03. Review status: criteria provided, single submitter. Criteria: Invitae Variant Classification Sherloc (09022015). Collection method: clinical testing. Allele origin: germline.
Comment: This sequence change creates a premature translational stop signal (p.Ile156Serfs*28) in the CPT1A gene. It is expected to result in an absent or disrupted protein product. For these reasons, this variant has been classified as Pathogenic. This variant is not present in population databases (ExAC no frequency). This variant has not been reported in the literature in individuals with CPT1A-related conditions. Loss-of-function variants in CPT1A are known to be pathogenic (PMID: 16169268).

Literature cited by the submitters: PubMed 16169268.

NM_001876.4(CPT1A):c.465del (p.Ile156fs)

Gene: CPT1A (carnitine palmitoyltransferase 1A; minus strand). Cytogenetic location: 11q13.3.
Variant type: Deletion.
Coding change: c.465del on transcript NM_001876.4 (MANE Select); coding-DNA position 465, one base deleted (G; older notation c.465delG).
Protein change: p.Ile156fs; shifts the reading frame from isoleucine 156.
Molecular consequence: frameshift variant.
Genome position (GRCh38, 1-based): chr11:68,804,090, C deleted on the plus strand (G on the coding strand, the reverse complement: CPT1A is on the minus strand). VCF-style (leftmost placement, unchanged base first): chr11-68804089-TC-T. GRCh37 (hg19) VCF-style: chr11-68571557-TC-T.
Other names: c.465del, p.Ile156fs (NM_001031847.3); short protein forms I156fs.
Identifiers: ClinVar variation 844743 (VCV000844743.7), dbSNP rs1855979917, ClinGen allele CA916083258.